The following is an entry in ClinVar:

NM_003072.5(SMARCA4):c.3723T>C (p.His1241=)

Gene: SMARCA4 (SWI/SNF related BAF chromatin remodeling complex subunit ATPase 4; plus strand). Cytogenetic location: 19p13.2.
Variant type: single nucleotide variant.
Coding change: c.3723T>C on transcript NM_003072.5 (MANE Select); coding-DNA position 3723, T replaced by C.
Protein change: p.His1241=; no amino-acid change (histidine 1241 retained).
Molecular consequence: synonymous variant. On other transcripts: non-coding transcript variant (1).
Genome position (GRCh38, 1-based): chr19:11,033,466, T>C. VCF-style: chr19-11033466-T-C. GRCh37 (hg19) VCF-style: chr19-11144142-T-C.
Other names: c.3723T>C, p.His1241= (NM_001128844.3, NM_001128845.2, NM_001128846.2 and 5 more transcripts); c.3723T>C (NM_001128849.1).
Identifiers: ClinVar variation 1141246 (VCV001141246.19), dbSNP rs2146653872, ClinGen allele CA505743692.

ClinVar aggregate classification (germline): Likely benign. Review status: criteria provided, multiple submitters, no conflicts (2 of 4 stars). 4 submissions from 4 submitters: Likely benign (4). Last evaluated 2025-09-03.

Conditions:
Hereditary cancer-predisposing syndrome. Also called: Tumor predisposition; Hereditary neoplastic syndrome; Hereditary Cancer Syndrome; Neoplastic Syndromes, Hereditary. Identifiers: Orphanet 140162, MedGen C0027672, MeSH D009386, MONDO:0015356.
Rhabdoid tumor predisposition syndrome 2 (RTPS2). Identifiers: Orphanet 231108, Orphanet 69077, MedGen C2750074, MONDO:0013224, OMIM 613325.

Allele frequency attached by ClinVar (database versions not stated): gnomAD exomes below 0.00001.
gnomAD v4.1: 1 of 1,613,348 alleles (0.000062%); highest among the groups gnomAD compares: East Asian, 0.0022%; no homozygotes.

Submissions (4):

Labcorp Genetics (formerly Invitae), Labcorp
Classification: Likely benign for Rhabdoid tumor predisposition syndrome 2. Last evaluated: 2025-09-03. Review status: criteria provided, single submitter. Criteria: Invitae Variant Classification Sherloc (09022015). Collection method: clinical testing. Allele origin: germline.

CeGaT Center for Human Genetics Tuebingen
Classification: Likely benign. Last evaluated: 2025-08-01. Review status: criteria provided, single submitter. Criteria: CeGaT Center For Human Genetics Tuebingen Variant Classification Criteria Version 2. Collection method: clinical testing. Allele origin: germline. Affected: yes. Observed: 1 variant allele.
Comment: SMARCA4: BP4, BP7

Ambry Genetics
Classification: Likely benign for Hereditary cancer-predisposing syndrome. Last evaluated: 2023-07-26. Review status: criteria provided, single submitter. Criteria: Ambry Variant Classification Scheme 2023. Collection method: clinical testing. Allele origin: germline.

Blueprint Genetics
Classification: Likely benign. Last evaluated: 2020-09-28. Review status: criteria provided, single submitter. Criteria: ACMG Guidelines, 2015. Collection method: clinical testing. Allele origin: germline.